The following is an entry in ClinVar:

NM_174936.4(PCSK9):c.278G>A (p.Arg93His)

Gene: PCSK9 (proprotein convertase subtilisin/kexin type 9; plus strand). Cytogenetic location: 1p32.3.
Variant type: single nucleotide variant.
Coding change: c.278G>A on transcript NM_174936.4 (MANE Select); coding-DNA position 278, G replaced by A.
Protein change: p.Arg93His; replaces arginine 93 with histidine.
Molecular consequence: missense variant.
Genome position (GRCh38, 1-based): chr1:55,043,913, G>A. VCF-style: chr1-55043913-G-A. GRCh37 (hg19) VCF-style: chr1-55509586-G-A.
Other names: short protein forms R93H.
Identifiers: ClinVar variation 925285 (VCV000925285.8), dbSNP rs763855534, ClinGen allele CA041158.

ClinVar aggregate classification (germline): Conflicting classifications of pathogenicity. Review status: criteria provided, conflicting classifications (1 of 4 stars). 5 submissions from 5 submitters: Uncertain significance (2); Likely benign (3). Last evaluated 2026-06-25.

Conditions:
Hypercholesterolemia, autosomal dominant, 3 (FHCL3). Also called: Familial hypercholesterolemia 3; Familial Hypercholesterolemia, Autosomal Dominant, 3; PCSK9-Related Familial Hypercholesterolemia, Autosomal Dominant. Identifiers: MedGen C1863551, MONDO:0011369, OMIM 603776.
Cardiovascular phenotype. Identifiers: MedGen CN230736.
Familial hypercholesterolemia. Also called: Familial hypercholesterolemias; Familial hypercholesterolaemia. Identifiers: MedGen C0020445, MONDO:0005439.

Allele frequency attached by ClinVar (database versions not stated): gnomAD exomes 0.00001; ExAC 0.00002; TOPMed 0.00002; gnomAD 0.00003.
gnomAD v4.1: 34 of 1,614,062 alleles (0.0021%); highest among the groups gnomAD compares: South Asian, 0.0066%; no homozygotes.

Submissions (5):

Cambridge Genomics Laboratory, East Genomic Laboratory Hub, NHS Genomic Medicine Service
Classification: Likely benign for Familial hypercholesterolaemia. Last evaluated: 2026-06-25. Review status: criteria provided, single submitter. Criteria: ACGS Best Practice Guidelines for Variant Classification in Rare Disease 2020. Collection method: clinical testing. Allele origin: germline. Affected: yes.
Comment: BS1_Strong,BS4

Color Diagnostics, LLC DBA Color Health
Classification: Likely benign for Familial hypercholesterolemia. Last evaluated: 2024-09-04. Review status: criteria provided, single submitter. Criteria: ACMG Guidelines, 2015. Collection method: clinical testing. Allele origin: germline.

All of Us Research Program, National Institutes of Health
Classification: Likely benign for Hypercholesterolemia, autosomal dominant, 3. Last evaluated: 2023-12-13. Review status: criteria provided, single submitter. Criteria: ACMG Guidelines, 2015. Collection method: clinical testing. Allele origin: germline. Inheritance: Autosomal dominant inheritance. Observed: 7 variant alleles, 7 heterozygotes.
Comment: This study involves interpretation of variants in research participants for the purpose of population health screening. Participant phenotype was not available at the time of variant classification. Additional details can be found in publication PMID: 35346344, PMCID: PMC8962531

Women's Health and Genetics/Laboratory Corporation of America, LabCorp
Classification: Uncertain significance. Last evaluated: 2023-08-20. Review status: criteria provided, single submitter. Criteria: LabCorp Variant Classification Summary - May 2015. Collection method: clinical testing. Allele origin: germline.

Ambry Genetics
Classification: Uncertain significance for Cardiovascular phenotype. Last evaluated: 2023-03-27. Review status: criteria provided, single submitter. Criteria: Ambry Variant Classification Scheme 2023. Collection method: clinical testing. Allele origin: germline.
Comment: The p.R93H variant (also known as c.278G>A), located in coding exon 2 of the PCSK9 gene, results from a G to A substitution at nucleotide position 278. The arginine at codon 93 is replaced by histidine, an amino acid with highly similar properties. This amino acid position is not well conserved in available vertebrate species. In addition, this alteration is predicted to be tolerated by in silico analysis. Since supporting evidence is limited at this time, the clinical significance of this alteration remains unclear.